The following is an entry in ClinVar:

NM_001606.5(ABCA2):c.4371A>C (p.Ala1457=)

Gene: ABCA2 (ATP binding cassette subfamily A member 2; minus strand). Cytogenetic location: 9q34.3.
Variant type: single nucleotide variant.
Coding change: c.4371A>C on transcript NM_001606.5 (MANE Select); coding-DNA position 4371, A replaced by C.
Protein change: p.Ala1457=; no amino-acid change (alanine 1457 retained).
Molecular consequence: synonymous variant.
Genome position (GRCh38, 1-based): chr9:137,013,908, T>G on the plus strand (A>C on the coding strand, the complement: ABCA2 is on the minus strand). VCF-style: chr9-137013908-T-G. GRCh37 (hg19) VCF-style: chr9-139908360-T-G.
Other names: c.4368A>C, p.Ala1456= (NM_001411042.1); c.4461A>C, p.Ala1487= (NM_212533.3).
Identifiers: ClinVar variation 3055588 (VCV003055588.2), dbSNP rs764316488, ClinGen allele CA5354418.

ClinVar aggregate classification (germline): Likely benign (0 of 4 stars; one submission).

Conditions:
ABCA2-related disorder. Also called: ABCA2-related condition.

Allele frequency attached by ClinVar (database versions not stated): ExAC 0.00001; gnomAD 0.00003; TOPMed 0.00003.
gnomAD v4.1: 43 of 1,612,188 alleles (0.0027%); highest among the groups gnomAD compares: Non-Finnish European, 0.0035%; no homozygotes.

Submission:

PreventionGenetics, part of Exact Sciences
Classification: Likely benign for ABCA2-related condition. Last evaluated: 2019-05-01. Review status: no assertion criteria provided. Collection method: clinical testing. Allele origin: germline.
Comment: This variant is classified as likely benign based on ACMG/AMP sequence variant interpretation guidelines (Richards et al. 2015 PMID: 25741868, with internal and published modifications).